The following is an entry in ClinVar:

NM_144997.7(FLCN):c.783C>T (p.Leu261=)

Gene: FLCN (folliculin; minus strand). Cytogenetic location: 17p11.2.
Variant type: single nucleotide variant.
Coding change: c.783C>T on transcript NM_144997.7 (MANE Select); coding-DNA position 783, C replaced by T.
Protein change: p.Leu261=; no amino-acid change (leucine 261 retained).
Molecular consequence: synonymous variant.
Genome position (GRCh38, 1-based): chr17:17,221,625, G>A on the plus strand (C>T on the coding strand, the complement: FLCN is on the minus strand). VCF-style: chr17-17221625-G-A. GRCh37 (hg19) VCF-style: chr17-17124939-G-A.
Other names: c.837C>T, p.Leu279= (NM_001353229.2); c.783C>T, p.Leu261= (NM_001353230.2, NM_001353231.2, NM_144606.7).
Identifiers: ClinVar variation 1760850 (VCV001760850.6), dbSNP rs1273613353, ClinGen allele CA498163776.

ClinVar aggregate classification (germline): Benign/Likely benign. Review status: criteria provided, multiple submitters, no conflicts (2 of 4 stars). 3 submissions from 3 submitters: Benign (1); Likely benign (2). Last evaluated 2024-10-23.

Conditions:
Birt-Hogg-Dube syndrome. Also called: Birt Hogg Dubé syndrome. Identifiers: Orphanet 122, MedGen C0346010, MONDO:0800444.
Birt-Hogg-Dube syndrome 1 (BHD1). Also called: FIBROFOLLICULOMAS WITH TRICHODISCOMAS AND ACROCHORDONS. Identifiers: Orphanet 122, MedGen CN375946, MONDO:0800445, OMIM 135150.
Hereditary cancer-predisposing syndrome. Also called: Neoplastic Syndromes, Hereditary; Tumor predisposition; Hereditary neoplastic syndrome; Hereditary Cancer Syndrome. Identifiers: Orphanet 140162, MedGen C0027672, MeSH D009386, MONDO:0015356.

Submissions (3):

Myriad Genetics, Inc.
Classification: Benign for Birt-Hogg-Dube syndrome 1. Last evaluated: 2024-10-23. Review status: criteria provided, single submitter. Criteria: Myriad Autosomal Dominant, Autosomal Recessive and X-Linked Classification Criteria (2023). Collection method: clinical testing. Allele origin: unknown.
Comment: This variant is considered benign. This variant is a silent/synonymous amino acid change and it is not expected to impact splicing.

Labcorp Genetics (formerly Invitae), Labcorp
Classification: Likely benign for Birt-Hogg-Dube syndrome. Last evaluated: 2023-09-01. Review status: criteria provided, single submitter. Criteria: Invitae Variant Classification Sherloc (09022015). Collection method: clinical testing. Allele origin: germline.

Ambry Genetics
Classification: Likely benign for Hereditary cancer-predisposing syndrome. Last evaluated: 2020-06-02. Review status: criteria provided, single submitter. Criteria: Ambry Variant Classification Scheme 2023. Collection method: clinical testing. Allele origin: germline.